The following is an entry in ClinVar:

NM_000245.4(MET):c.1958C>T (p.Ser653Phe)

Gene: MET (MET proto-oncogene, receptor tyrosine kinase; plus strand). Cytogenetic location: 7q31.2.
Variant type: single nucleotide variant.
Coding change: c.1958C>T on transcript NM_000245.4 (MANE Select); coding-DNA position 1958, C replaced by T.
Protein change: p.Ser653Phe; replaces serine 653 with phenylalanine.
Molecular consequence: missense variant.
Genome position (GRCh38, 1-based): chr7:116,757,532, C>T. VCF-style: chr7-116757532-C-T. GRCh37 (hg19) VCF-style: chr7-116397586-C-T.
Other names: c.1958C>T, p.Ser653Phe (NM_001127500.3, NM_001324401.3); c.668C>T, p.Ser223Phe (NM_001324402.2); short protein forms S653F, S223F.
Identifiers: ClinVar variation 485764 (VCV000485764.15), dbSNP rs1554395395, ClinGen allele CA368979526.

ClinVar aggregate classification (germline): Uncertain significance. Review status: criteria provided, multiple submitters, no conflicts (2 of 4 stars). 2 submissions from 2 submitters: Uncertain significance (2). Last evaluated 2026-07-28.

Conditions:
Hereditary cancer-predisposing syndrome. Also called: Neoplastic Syndromes, Hereditary; Hereditary neoplastic syndrome; Hereditary Cancer Syndrome; Tumor predisposition. Identifiers: Orphanet 140162, MedGen C0027672, MeSH D009386, MONDO:0015356.
Renal cell carcinoma. Identifiers: Orphanet 217071, MedGen C0007134, MeSH D002292, MONDO:0005086, HP:0005584.

Submissions (2):

Ambry Genetics
Classification: Uncertain significance for Hereditary cancer-predisposing syndrome. Last evaluated: 2026-07-28. Review status: criteria provided, single submitter. Criteria: Ambry Variant Classification Scheme 2023. Collection method: clinical testing. Allele origin: germline.
Comment: The p.S653F variant (also known as c.1958C>T), located in coding exon 6 of the MET gene, results from a C to T substitution at nucleotide position 1958. The serine at codon 653 is replaced by phenylalanine, an amino acid with highly dissimilar properties. This amino acid position is highly conserved in available vertebrate species. In addition, this alteration is predicted to be deleterious by in silico analysis. Based on the available evidence, the clinical significance of this variant remains unclear.

Labcorp Genetics (formerly Invitae), Labcorp
Classification: Uncertain significance for Renal cell carcinoma. Last evaluated: 2025-06-30. Review status: criteria provided, single submitter. Criteria: Invitae Variant Classification Sherloc (09022015). Collection method: clinical testing. Allele origin: germline.
Comment: This sequence change replaces serine, which is neutral and polar, with phenylalanine, which is neutral and non-polar, at codon 653 of the MET protein (p.Ser653Phe). This variant is not present in population databases (gnomAD no frequency). This variant has not been reported in the literature in individuals affected with MET-related conditions. ClinVar contains an entry for this variant (Variation ID: 485764). Invitae Evidence Modeling of protein sequence and biophysical properties (such as structural, functional, and spatial information, amino acid conservation, physicochemical variation, residue mobility, and thermodynamic stability) has been performed for this missense variant. However, the output from this modeling did not meet the statistical confidence thresholds required to predict the impact of this variant on MET protein function. In summary, the available evidence is currently insufficient to determine the role of this variant in disease. Therefore, it has been classified as a Variant of Uncertain Significance.